The following is an entry in ClinVar:

ClinVar aggregate classification (germline): Uncertain significance (1 of 4 stars; one submission).

Conditions:
SEMA3A-related disorder. Also called: SEMA3A-related condition.

Submission:

PreventionGenetics, part of Exact Sciences
Classification: Uncertain significance for SEMA3A-related condition. Last evaluated: 2025-05-07. Review status: criteria provided, single submitter. Criteria: ACMG Guidelines, 2015. Collection method: clinical testing. Allele origin: germline.
Comment: The SEMA3A c.1231A>T variant is predicted to result in the amino acid substitution p.Asn411Tyr. To our knowledge, this variant has not been reported in the literature or in a large population database (gnomAD), indicating this variant is rare. At this time, the clinical significance of this variant is uncertain due to the absence of conclusive functional and genetic evidence.

NM_006080.3(SEMA3A):c.1231A>T (p.Asn411Tyr)

Gene: SEMA3A (semaphorin 3A; minus strand). Cytogenetic location: 7q21.11.
Variant type: single nucleotide variant.
Coding change: c.1231A>T on transcript NM_006080.3 (MANE Select); coding-DNA position 1231, A replaced by T.
Protein change: p.Asn411Tyr; replaces asparagine 411 with tyrosine.
Molecular consequence: missense variant.
Genome position (GRCh38, 1-based): chr7:84,005,468, T>A on the plus strand (A>T on the coding strand, the complement: SEMA3A is on the minus strand). VCF-style: chr7-84005468-T-A. GRCh37 (hg19) VCF-style: chr7-83634784-T-A.
Other names: short protein forms N411Y.
Identifiers: ClinVar variation 5000448 (VCV005000448.1).